The following is an entry in ClinVar:

ClinVar aggregate classification (germline): Uncertain significance (0 of 4 stars; one submission).

Conditions:
NRXN3-related disorder. Also called: NRXN3-related condition.

Submission:

PreventionGenetics, part of Exact Sciences
Classification: Uncertain significance for NRXN3-related condition. Last evaluated: 2024-06-20. Review status: no assertion criteria provided. Collection method: clinical testing. Allele origin: germline.
Comment: The NRXN3 c.113A>G variant is predicted to result in the amino acid substitution p.Lys38Arg. To our knowledge, this variant has not been reported in the literature or in a large population database, indicating this variant is rare. At this time, the clinical significance of this variant is uncertain due to the absence of conclusive functional and genetic evidence.

NM_001330195.2(NRXN3):c.1232A>G (p.Lys411Arg)

Genes: NRXN3 (neurexin 3; plus strand), LOC105370589 (uncharacterized LOC105370589; minus strand). Cytogenetic location: 14q24.3.
Variant type: single nucleotide variant.
Coding change: c.1232A>G on transcript NM_001330195.2 (MANE Select); coding-DNA position 1232, A replaced by G.
Protein change: p.Lys411Arg; replaces lysine 411 with arginine.
Molecular consequence: missense variant. On other transcripts: non-coding transcript variant (5).
Genome position (GRCh38, 1-based): chr14:78,709,227, A>G. VCF-style: chr14-78709227-A-G. GRCh37 (hg19) VCF-style: chr14-79175570-A-G.
Other names: c.1232A>G, p.Lys411Arg (NM_001366425.1); c.1244A>G, p.Lys415Arg (NM_001366426.1); c.113A>G, p.Lys38Arg (NM_004796.6); short protein forms K38R, K411R, K415R.
Identifiers: ClinVar variation 3345573 (VCV003345573.1).